The following is an entry in ClinVar:

ClinVar aggregate classification (germline): Uncertain significance (1 of 4 stars; one submission).

Allele frequency attached by ClinVar (database versions not stated): TOPMed below 0.00001; gnomAD 0.00001.

Submission:

Labcorp Genetics (formerly Invitae), Labcorp
Classification: Uncertain significance. Last evaluated: 2022-08-12. Review status: criteria provided, single submitter. Criteria: Invitae Variant Classification Sherloc (09022015). Collection method: clinical testing. Allele origin: germline.
Comment: In summary, the available evidence is currently insufficient to determine the role of this variant in disease. Therefore, it has been classified as a Variant of Uncertain Significance. Algorithms developed to predict the effect of missense changes on protein structure and function are either unavailable or do not agree on the potential impact of this missense change (SIFT: "Deleterious"; PolyPhen-2: "Probably Damaging"; Align-GVGD: "Class C0"). This variant has not been reported in the literature in individuals affected with RUSC2-related conditions. This variant is present in population databases (no rsID available, gnomAD no frequency). This sequence change replaces lysine, which is basic and polar, with asparagine, which is neutral and polar, at codon 1470 of the RUSC2 protein (p.Lys1470Asn).

NM_014806.5(RUSC2):c.4410A>C (p.Lys1470Asn)

Gene: RUSC2 (RUN and SH3 domain containing 2; plus strand). Cytogenetic location: 9p13.3.
Variant type: single nucleotide variant.
Coding change: c.4410A>C on transcript NM_014806.5 (MANE Select); coding-DNA position 4410, A replaced by C.
Protein change: p.Lys1470Asn; replaces lysine 1470 with asparagine.
Molecular consequence: missense variant. On other transcripts: non-coding transcript variant (1).
Genome position (GRCh38, 1-based): chr9:35,561,241, A>C. VCF-style: chr9-35561241-A-C. GRCh37 (hg19) VCF-style: chr9-35561238-A-C.
Other names: c.4410A>C, p.Lys1470Asn (NM_001135999.2); c.1776A>C, p.Lys592Asn (NM_001330740.2); short protein forms K592N, K1470N.
Identifiers: ClinVar variation 2102740 (VCV002102740.4), dbSNP rs909221485, ClinGen allele CA192761016.